The following is an entry in ClinVar:

ClinVar aggregate classification (germline): Likely pathogenic (1 of 4 stars; one submission).

Submission:

GeneDx
Classification: Likely pathogenic. Last evaluated: 2018-07-06. Review status: criteria provided, single submitter. Criteria: GeneDx Variant Classification (06012015). Collection method: clinical testing. Allele origin: germline. Affected: yes.
Comment: The A242G variant in the BCS1L gene has not been reported previously as a pathogenic variant, nor as a benign variant, to our knowledge. The A242G variant is not observed in large population cohorts (Lek et al., 2016). The A242G variant is a conservative amino acid substitution, which is not likely to impact secondary protein structure as these residues share similar properties. However, in-silico analyses, including protein predictors and evolutionary conservation, support a deleterious effect. We interpret A242G as a likely pathogenic variant.

NM_001079866.2(BCS1L):c.725C>G (p.Ala242Gly)

Gene: BCS1L (BCS1 homolog, ubiquinol-cytochrome c reductase complex chaperone; plus strand). Cytogenetic location: 2q35.
Variant type: single nucleotide variant.
Coding change: c.725C>G on transcript NM_001079866.2 (MANE Select); coding-DNA position 725, C replaced by G.
Protein change: p.Ala242Gly; replaces alanine 242 with glycine.
Molecular consequence: missense variant. On other transcripts: non-coding transcript variant (1).
Genome position (GRCh38, 1-based): chr2:218,662,515, C>G. VCF-style: chr2-218662515-C-G. GRCh37 (hg19) VCF-style: chr2-219527238-C-G.
Other names: c.725C>G, p.Ala242Gly (NM_001257342.2, NM_001257343.2, NM_001257344.2 and 10 more transcripts); c.365C>G, p.Ala122Gly (NM_001318836.2, NM_001371451.1); c.224C>G, p.Ala75Gly (NM_001371452.1, NM_001371453.1, NM_001371454.1 and 3 more transcripts); short protein forms A242G, A122G, A75G.
Identifiers: ClinVar variation 387667 (VCV000387667.2), dbSNP rs1057522861, ClinGen allele CA16604137.